The following is an entry in ClinVar:

ClinVar aggregate classification (germline): Likely benign. Review status: criteria provided, single submitter (1 of 4 stars). 2 submissions from 2 submitters: Likely benign (1). 1 of the submissions does not count toward it. Last evaluated 2026-02-10.

Conditions:
WT1-related disorder. Also called: WT1-related disorders. Identifiers: MedGen CN377814.
Inborn genetic diseases. Identifiers: MedGen C0950123, MeSH D030342.

Submissions (2):

Ambry Genetics
Classification: Likely benign for Inborn genetic diseases. Last evaluated: 2026-02-10. Review status: criteria provided, single submitter. Criteria: Ambry Variant Classification Scheme 2023. Collection method: clinical testing. Allele origin: germline.

PreventionGenetics, part of Exact Sciences
Classification: Likely benign for WT1-related condition. Last evaluated: 2022-11-23. Review status: no assertion criteria provided. Collection method: clinical testing. Allele origin: germline. Not counted in ClinVar's aggregate classification.
Comment: This variant is classified as likely benign based on ACMG/AMP sequence variant interpretation guidelines (Richards et al. 2015 PMID: 25741868, with internal and published modifications).

NM_024426.6(WT1):c.390A>C (p.Pro130=)

Genes: WT1 (WT1 transcription factor; minus strand), LOC107982234 (WT1/WT1-AS bi-directional promoter region; plus strand). Cytogenetic location: 11p13.
Variant type: single nucleotide variant.
Coding change: c.390A>C on transcript NM_024426.6 (MANE Select); coding-DNA position 390, A replaced by C.
Protein change: p.Pro130=; no amino-acid change (proline 130 retained).
Molecular consequence: synonymous variant. On other transcripts: non-coding transcript variant (2).
Genome position (GRCh38, 1-based): chr11:32,434,971, T>G on the plus strand (A>C on the coding strand, the complement: WT1 is on the minus strand). VCF-style: chr11-32434971-T-G. GRCh37 (hg19) VCF-style: chr11-32456517-T-G.
Other names: c.390A>C, p.Pro130= (NM_000378.6, NM_001407044.1, NM_001407045.1 and 6 more transcripts); c.375A>C, p.Pro125= (NM_024425.2).
Identifiers: ClinVar variation 3042901 (VCV003042901.3), dbSNP rs886048228, ClinGen allele CA473773690.
Genomic context (GRCh38, chr11:32,434,971, plus strand): 5'-GCTCGGCTCCTGTTTGATGAAGGAGTGAGGCGGCGGCGGCGGGGGTGGCGGCGGAGCCGG[T>G]GGCGGCGCGGGGCCGCCCAACGACCCGTAAGCCGAAGCGCCCGGGGGCGCAAAGTCCAGC-3'
Protein context (NP_077744.4, residues 120-140): AYGSLGGPAP[Pro130=]PAPPPPPPPP